The following is an entry in ClinVar:

ClinVar aggregate classification (germline): Conflicting classifications of pathogenicity. Review status: criteria provided, conflicting classifications (1 of 4 stars). 2 submissions from 2 submitters: Uncertain significance (1); Likely benign (1). Last evaluated 2023-07-10.

Conditions:
PURA-related severe neonatal hypotonia-seizures-encephalopathy syndrome (NEDRIHF). Also called: NEURODEVELOPMENTAL DISORDER WITH NEONATAL RESPIRATORY INSUFFICIENCY, HYPOTONIA, AND FEEDING DIFFICULTIES; PURA-Related Neurodevelopmental Disorders. Identifiers: Orphanet 438213, Orphanet 438216, MedGen C4015357, MONDO:1060108, OMIM 616158, MONDO:0018580.

Allele frequency attached by ClinVar (database versions not stated): gnomAD 0.00001; TOPMed 0.00002.
gnomAD v4.1: 2 of 1,244,906 alleles (0.00016%); highest among the groups gnomAD compares: African/African-American, 0.0032%; no homozygotes.

Submissions (2):

Labcorp Genetics (formerly Invitae), Labcorp
Classification: Likely benign for PURA-related severe neonatal hypotonia-seizures-encephalopathy syndrome. Last evaluated: 2023-07-10. Review status: criteria provided, single submitter. Criteria: Invitae Variant Classification Sherloc (09022015). Collection method: clinical testing. Allele origin: germline.

GeneDx
Classification: Uncertain significance. Last evaluated: 2019-08-28. Review status: criteria provided, single submitter. Criteria: GeneDx Variant Classification Process June 2021. Collection method: clinical testing. Allele origin: germline. Affected: yes.
Comment: In silico analysis, which includes protein predictors and evolutionary conservation, supports that this variant does not alter protein structure/function; Not observed in large population cohorts (Lek et al., 2016); Has not been previously published as pathogenic or benign to our knowledge

NM_005859.5(PURA):c.110G>C (p.Gly37Ala)

Gene: PURA (purine rich element binding protein A; plus strand). Cytogenetic location: 5q31.3.
Variant type: single nucleotide variant.
Coding change: c.110G>C on transcript NM_005859.5 (MANE Select); coding-DNA position 110, G replaced by C.
Protein change: p.Gly37Ala; replaces glycine 37 with alanine.
Molecular consequence: missense variant.
Genome position (GRCh38, 1-based): chr5:140,114,291, G>C. VCF-style: chr5-140114291-G-C. GRCh37 (hg19) VCF-style: chr5-139493876-G-C.
Other names: short protein forms G37A.
Identifiers: ClinVar variation 572221 (VCV000572221.12), dbSNP rs1430796646, ClinGen allele CA361489327.
Genomic context (GRCh38, chr5:140,114,291, plus strand): 5'-CGGGCGGCTCCCTGGGGCACCCCGGCTCGGGCTCAGGCTCCGGCGGGGGCGGTGGTGGCG[G>C]CGGGGGCGGCGGCGGCAGTGGCGGCGGCGGCGGCGGGGCCCCAGGGGGGCTGCAGCACGA-3'
Protein context (NP_005850.1, residues 27-47): GSGSGGGGGG[Gly37Ala]GGGGGSGGGG